The following is an entry in ClinVar:

NM_139318.5(KCNH5):c.1196C>T (p.Pro399Leu)

Gene: KCNH5 (potassium voltage-gated channel subfamily H member 5; minus strand). Cytogenetic location: 14q23.2.
Variant type: single nucleotide variant.
Coding change: c.1196C>T on transcript NM_139318.5 (MANE Select); coding-DNA position 1196, C replaced by T.
Protein change: p.Pro399Leu; replaces proline 399 with leucine.
Molecular consequence: missense variant.
Genome position (GRCh38, 1-based): chr14:62,950,306, G>A on the plus strand (C>T on the coding strand, the complement: KCNH5 is on the minus strand). VCF-style: chr14-62950306-G-A. GRCh37 (hg19) VCF-style: chr14-63417024-G-A.
Other names: c.1196C>T, p.Pro399Leu (NM_172375.3); short protein forms P399L.
Identifiers: ClinVar variation 1425027 (VCV001425027.9), dbSNP rs1447297190, ClinGen allele CA390103051.

ClinVar aggregate classification (germline): Uncertain significance (1 of 4 stars; one submission).

Conditions:
Early-infantile DEE. Also called: Ohtahara syndrome; Early infantile epileptic encephalopathy with suppression bursts; Early infantile epileptic encephalopathy. Identifiers: Orphanet 1934, MedGen C0393706, MONDO:0800491.

Allele frequency attached by ClinVar (database versions not stated): TOPMed below 0.00001; gnomAD 0.00001; gnomAD exomes 0.00002.
gnomAD v4.1: 36 of 1,613,920 alleles (0.0022%); highest among the groups gnomAD compares: Non-Finnish European, 0.003%; no homozygotes.

Submission:

Labcorp Genetics (formerly Invitae), Labcorp
Classification: Uncertain significance for Early-infantile DEE. Last evaluated: 2025-12-16. Review status: criteria provided, single submitter. Criteria: Invitae Variant Classification Sherloc (09022015). Collection method: clinical testing. Allele origin: germline.
Comment: This sequence change replaces proline, which is neutral and non-polar, with leucine, which is neutral and non-polar, at codon 399 of the KCNH5 protein (p.Pro399Leu). This variant is not present in population databases (gnomAD no frequency). This variant has not been reported in the literature in individuals affected with KCNH5-related conditions. ClinVar contains an entry for this variant (Variation ID: 1425027). An algorithm developed to predict the effect of missense changes on protein structure and function (PolyPhen-2) suggests that this variant is likely to be disruptive. In summary, the available evidence is currently insufficient to determine the role of this variant in disease. Therefore, it has been classified as a Variant of Uncertain Significance.